The following is an entry in ClinVar:

ClinVar aggregate classification (germline): Uncertain significance (1 of 4 stars; one submission).

Submission:

Labcorp Genetics (formerly Invitae), Labcorp
Classification: Uncertain significance. Last evaluated: 2024-11-21. Review status: criteria provided, single submitter. Criteria: Invitae Variant Classification Sherloc (09022015). Collection method: clinical testing. Allele origin: germline.
Comment: This sequence change replaces leucine, which is neutral and non-polar, with glutamine, which is neutral and polar, at codon 358 of the GNA11 protein (p.Leu358Gln). This variant is not present in population databases (gnomAD no frequency). This variant has not been reported in the literature in individuals affected with GNA11-related conditions. An algorithm developed to predict the effect of missense changes on protein structure and function (PolyPhen-2) suggests that this variant is likely to be disruptive. Algorithms developed to predict the effect of sequence changes on RNA splicing suggest that this variant may create or strengthen a splice site. In summary, the available evidence is currently insufficient to determine the role of this variant in disease. Therefore, it has been classified as a Variant of Uncertain Significance.

NM_002067.5(GNA11):c.1073T>A (p.Leu358Gln)

Gene: GNA11 (G protein subunit alpha 11; plus strand). Cytogenetic location: 19p13.3.
Variant type: single nucleotide variant.
Coding change: c.1073T>A on transcript NM_002067.5 (MANE Select); coding-DNA position 1073, T replaced by A.
Protein change: p.Leu358Gln; replaces leucine 358 with glutamine.
Molecular consequence: missense variant.
Genome position (GRCh38, 1-based): chr19:3,121,172, T>A. VCF-style: chr19-3121172-T-A. GRCh37 (hg19) VCF-style: chr19-3121170-T-A.
Other names: short protein forms L358Q.
Identifiers: ClinVar variation 3725719 (VCV003725719.2).